The following is an entry in ClinVar:

NM_024989.4(PGAP1):c.2286+1G>A

Gene: PGAP1 (post-GPI attachment to proteins inositol deacylase 1; minus strand). Cytogenetic location: 2q33.1.
Variant type: single nucleotide variant.
Coding change: c.2286+1G>A on transcript NM_024989.4 (MANE Select); the canonical splice donor site of the intron after coding-DNA position 2286, G replaced by A.
Molecular consequence: splice donor variant.
Genome position (GRCh38, 1-based): chr2:196,845,881, C>T on the plus strand (G>A on the coding strand, the complement: PGAP1 is on the minus strand). VCF-style: chr2-196845881-C-T. GRCh37 (hg19) VCF-style: chr2-197710605-C-T.
Other names: c.1119+1G>A (NM_001321100.2); c.1764+1G>A (NM_001321099.2).
Identifiers: ClinVar variation 1477187 (VCV001477187.6), dbSNP rs1406991265, ClinGen allele CA350185185.

ClinVar aggregate classification (germline): Likely pathogenic (1 of 4 stars; one submission).

Conditions:
Intellectual disability, autosomal recessive 42 (NEDDSBA). Also called: Neurodevelopmental disorder with dysmorphic features, spasticity, and brain abnormalities; GLYCOSYLPHOSPHATIDYLINOSITOL BIOSYNTHESIS DEFECT 9. Identifiers: Orphanet 88616, MedGen C4014343, MONDO:0014348, OMIM 615802.

Allele frequency attached by ClinVar (database versions not stated): TOPMed below 0.00001; gnomAD 0.00001; gnomAD exomes 0.00001.
gnomAD v4.1: 4 of 1,603,306 alleles (0.00025%); highest among the groups gnomAD compares: Non-Finnish European, 0.00034%; no homozygotes.

Submission:

Labcorp Genetics (formerly Invitae), Labcorp
Classification: Likely pathogenic for Intellectual disability, autosomal recessive 42. Last evaluated: 2024-02-24. Review status: criteria provided, single submitter. Criteria: Invitae Variant Classification Sherloc (09022015). Collection method: clinical testing. Allele origin: germline.
Comment: This sequence change affects a donor splice site in intron 23 of the PGAP1 gene. It is expected to disrupt RNA splicing. Variants that disrupt the donor or acceptor splice site typically lead to a loss of protein function (PMID: 16199547), and loss-of-function variants in PGAP1 are known to be pathogenic (PMID: 17711852, 26050939, 27848944). This variant is present in population databases (no rsID available, gnomAD 0.007%). This variant has not been reported in the literature in individuals affected with PGAP1-related conditions. ClinVar contains an entry for this variant (Variation ID: 1477187). Algorithms developed to predict the effect of sequence changes on RNA splicing suggest that this variant may disrupt the consensus splice site. In summary, the currently available evidence indicates that the variant is pathogenic, but additional data are needed to prove that conclusively. Therefore, this variant has been classified as Likely Pathogenic.

Literature cited by the submitters: PubMed 16199547; PubMed 17711852; PubMed 26050939; PubMed 27848944.